The following is an entry in ClinVar:

ClinVar aggregate classification (germline): Uncertain significance (1 of 4 stars; one submission).

Conditions:
Cardiovascular phenotype. Identifiers: MedGen CN230736.
Hereditary cancer-predisposing syndrome. Also called: Neoplastic Syndromes, Hereditary; Tumor predisposition; Hereditary Cancer Syndrome; Hereditary neoplastic syndrome. Identifiers: Orphanet 140162, MedGen C0027672, MeSH D009386, MONDO:0015356.

Submission:

Ambry Genetics
Classification: Uncertain significance for Cardiovascular phenotype; Hereditary cancer-predisposing syndrome. Last evaluated: 2025-03-31. Review status: criteria provided, single submitter. Criteria: Ambry Variant Classification Scheme 2023. Collection method: clinical testing. Allele origin: germline.
Comment: The c.6719A>T variant (also known as p.H2240L), located in coding exon 44 of the NF1 gene, results from an A to T substitution at nucleotide position 6719. The histidine at codon 2240 is replaced by leucine, an amino acid with similar properties. This nucleotide position is highly conserved in available vertebrate species. In silico splice site analysis predicts that this alteration will not have any significant effect on splicing. RNA studies have demonstrated that this alteration results in an incomplete splice defect; the clinical impact of this abnormal splicing is unknown at this time (Ambry internal data). Based on the available evidence, the clinical significance of this variant remains unclear.

NM_001042492.3(NF1):c.6782A>T (p.His2261Leu)

Gene: NF1 (neurofibromin 1; plus strand). Cytogenetic location: 17q11.2.
Variant type: single nucleotide variant.
Coding change: c.6782A>T on transcript NM_001042492.3 (MANE Select); coding-DNA position 6782, A replaced by T.
Protein change: p.His2261Leu; replaces histidine 2261 with leucine.
Molecular consequence: missense variant.
Genome position (GRCh38, 1-based): chr17:31,338,102, A>T. VCF-style: chr17-31338102-A-T. GRCh37 (hg19) VCF-style: chr17-29665120-A-T.
Other names: c.6719A>T, p.His2240Leu (NM_000267.4); short protein forms H2240L, H2261L.
Identifiers: ClinVar variation 1755074 (VCV001755074.3), dbSNP rs201336602, ClinGen allele CA399014143.
Genomic context (GRCh38, chr17:31,338,102, plus strand): 5'-ATCCATCCCTGCAACCAAGAGCTCTTGTTGTCTTTGGGTGTATTAGCAAACGAGTGTCTC[A>T]TGGGCAGATAAAGCAGATAATCCGTATTCTTAGCAAGGTACCTGTTCCGCCCTCACTTCT-3'
Protein context (NP_001035957.1, residues 2251-2271): VFGCISKRVS[His2261Leu]GQIKQIIRIL